The following is an entry in ClinVar:

ClinVar aggregate classification (germline): Uncertain significance. Review status: criteria provided, multiple submitters, no conflicts (2 of 4 stars). 2 submissions from 2 submitters: Uncertain significance (2). Last evaluated 2024-03-14.

Conditions:
Intellectual developmental disorder with poor growth and with or without seizures or ataxia. Identifiers: MedGen C5394135, MONDO:0032930, OMIM 618808.

Submissions (2):

Genomic Medicine Center of Excellence, King Faisal Specialist Hospital and Research Centre
Classification: Uncertain significance for Intellectual developmental disorder with poor growth and with or without seizures or ataxia. Last evaluated: 2024-03-14. Review status: criteria provided, single submitter. Criteria: ACMG Guidelines, 2015. Collection method: clinical testing. Allele origin: germline.

GeneDx
Classification: Uncertain significance. Last evaluated: 2019-10-30. Review status: criteria provided, single submitter. Criteria: GeneDx Variant Classification Process June 2021. Collection method: clinical testing. Allele origin: germline. Affected: yes.
Comment: Has not been previously published as pathogenic or benign to our knowledge; Not observed in large population cohorts (Lek et al., 2016); In silico analysis, which includes protein predictors and evolutionary conservation, supports a deleterious effect; Variants in candidate genes are classified as variants of uncertain significance in accordance with ACMG guidelines (Richards et al., 2015)

NM_001606.5(ABCA2):c.5265C>G (p.Asn1755Lys)

Gene: ABCA2 (ATP binding cassette subfamily A member 2; minus strand). Cytogenetic location: 9q34.3.
Variant type: single nucleotide variant.
Coding change: c.5265C>G on transcript NM_001606.5 (MANE Select); coding-DNA position 5265, C replaced by G.
Protein change: p.Asn1755Lys; replaces asparagine 1755 with lysine.
Molecular consequence: missense variant.
Genome position (GRCh38, 1-based): chr9:137,012,299, G>C on the plus strand (C>G on the coding strand, the complement: ABCA2 is on the minus strand). VCF-style: chr9-137012299-G-C. GRCh37 (hg19) VCF-style: chr9-139906751-G-C.
Other names: c.5355C>G, p.Asn1785Lys (NM_212533.3); short protein forms N1755K, N1785K.
Identifiers: ClinVar variation 1199704 (VCV001199704.4), dbSNP rs2131436605, ClinGen allele CA375661664.